The following is an entry in ClinVar:

NM_004793.4(LONP1):c.1857C>T (p.Phe619=)

Gene: LONP1 (lon peptidase 1, mitochondrial; minus strand). Cytogenetic location: 19p13.3.
Variant type: single nucleotide variant.
Coding change: c.1857C>T on transcript NM_004793.4 (MANE Select); coding-DNA position 1857, C replaced by T.
Protein change: p.Phe619=; no amino-acid change (phenylalanine 619 retained).
Molecular consequence: synonymous variant. On other transcripts: non-coding transcript variant (1).
Genome position (GRCh38, 1-based): chr19:5,696,288, G>A on the plus strand (C>T on the coding strand, the complement: LONP1 is on the minus strand). VCF-style: chr19-5696288-G-A. GRCh37 (hg19) VCF-style: chr19-5696299-G-A.
Other names: c.1665C>T, p.Phe555= (NM_001276479.2); c.1269C>T, p.Phe423= (NM_001276480.1).
Identifiers: ClinVar variation 4994755 (VCV004994755.1).
Genomic context (GRCh38, chr19:5,696,288, plus strand): 5'-GGCCCCAGACAGGCCCCCCACCTTGGACAAGTCCACGGGCACGTCCAGGTAGTGGTCCAG[G>A]AAGTTGGCATTCTGCTCTGGGTCCAGCAGCTCCAGCAGTGCCGACGACGGGTCCCCCTGG-3'
Protein context (NP_004784.2, residues 609-629): ELLDPEQNAN[Phe619=]LDHYLDVPVD

ClinVar aggregate classification (germline): Likely benign (1 of 4 stars; one submission).

Conditions:
LONP1-related disorder. Also called: LONP1-related condition; LONP1-related disorders.

Submission:

PreventionGenetics, part of Exact Sciences
Classification: Likely benign for LONP1-related condition. Last evaluated: 2026-04-21. Review status: criteria provided, single submitter. Criteria: ACMG Guidelines, 2015. Collection method: clinical testing. Allele origin: germline.
Comment: This variant is classified as likely benign based on ACMG/AMP sequence variant interpretation guidelines (Richards et al. 2015 PMID: 25741868, with internal and published modifications).